The following is an entry in ClinVar:

NM_000264.5(PTCH1):c.4300G>A (p.Asp1434Asn)

Gene: PTCH1 (patched 1; minus strand). Cytogenetic location: 9q22.32.
Variant type: single nucleotide variant.
Coding change: c.4300G>A on transcript NM_000264.5 (MANE Select); coding-DNA position 4300, G replaced by A.
Protein change: p.Asp1434Asn; replaces aspartic acid 1434 with asparagine.
Molecular consequence: missense variant. On other transcripts: non-coding transcript variant (1).
Genome position (GRCh38, 1-based): chr9:95,446,956, C>T on the plus strand (G>A on the coding strand, the complement: PTCH1 is on the minus strand). VCF-style: chr9-95446956-C-T. GRCh37 (hg19) VCF-style: chr9-98209238-C-T.
Other names: c.4102G>A, p.Asp1368Asn (NM_001083602.3); c.4297G>A, p.Asp1433Asn (NM_001083603.3); c.3847G>A, p.Asp1283Asn (NM_001083604.3, NM_001083605.3, NM_001083606.3 and 1 more transcripts); c.4144G>A, p.Asp1382Asn (NM_001354918.2); short protein forms D1283N, D1368N, D1382N, D1433N, D1434N.
Identifiers: ClinVar variation 4810394 (VCV004810394.1).

ClinVar aggregate classification (germline): Uncertain significance (1 of 4 stars; one submission).

Conditions:
Gorlin syndrome. Also called: Basal cell nevus syndrome; Nevoid Basal Cell Carcinoma Syndrome. Identifiers: Orphanet 377, MedGen C0004779, MONDO:0007187.

gnomAD v4.1: 2 of 1,614,212 alleles (0.00012%); highest among the groups gnomAD compares: African/African-American, 0.0027%; no homozygotes.

Submission:

Labcorp Genetics (formerly Invitae), Labcorp
Classification: Uncertain significance for Gorlin syndrome. Last evaluated: 2025-03-21. Review status: criteria provided, single submitter. Criteria: Invitae Variant Classification Sherloc (09022015). Collection method: clinical testing. Allele origin: germline.
Comment: This sequence change replaces aspartic acid, which is acidic and polar, with asparagine, which is neutral and polar, at codon 1434 of the PTCH1 protein (p.Asp1434Asn). This variant is not present in population databases (gnomAD no frequency). This variant has not been reported in the literature in individuals affected with PTCH1-related conditions. Invitae Evidence Modeling of protein sequence and biophysical properties (such as structural, functional, and spatial information, amino acid conservation, physicochemical variation, residue mobility, and thermodynamic stability) has been performed for this missense variant. However, the output from this modeling did not meet the statistical confidence thresholds required to predict the impact of this variant on PTCH1 protein function. In summary, the available evidence is currently insufficient to determine the role of this variant in disease. Therefore, it has been classified as a Variant of Uncertain Significance.